The following is an entry in ClinVar:

ClinVar aggregate classification (germline): Pathogenic (1 of 4 stars; one submission).

Conditions:
Primary ciliary dyskinesia 3. Identifiers: Orphanet 244, MedGen C1837618, MONDO:0012085, OMIM 608644.

Submission:

Myriad Genetics, Inc.
Classification: Pathogenic for Primary ciliary dyskinesia 3. Last evaluated: 2026-06-28. Review status: criteria provided, single submitter. Criteria: Myriad Autosomal Dominant, Autosomal Recessive and X-Linked Classification Criteria (2023). Collection method: clinical testing. Allele origin: unknown.
Comment: NM_001369.2(DNAH5):c.1627_1628ins7(Q543Pfs*5) is expected to be pathogenic in the context of primary ciliary dyskinesia, DNAH5-related. This variant is predicted to lead to an abnormal or absent protein product due to the creation of a premature termination codon in DNAH5, a gene where loss-of-function variants are known to be pathogenic. Please note: this variant was assessed in the context of healthy population screening.

NM_001369.3(DNAH5):c.1627_1628insCGACTAA (p.Gln543fs)

Gene: DNAH5 (dynein axonemal heavy chain 5; minus strand). Cytogenetic location: 5p15.2.
Variant type: Insertion.
Coding change: c.1627_1628insCGACTAA on transcript NM_001369.3 (MANE Select); coding-DNA positions 1627 to 1628, CGACTAA inserted.
Protein change: p.Gln543fs; shifts the reading frame from glutamine 543.
Molecular consequence: frameshift variant.
Genome position: GRCh38 VCF-style: chr5-13911402-T-TTTAGTCG. GRCh37 (hg19) VCF-style: chr5-13911511-T-TTTAGTCG.
Other names: short protein forms Q543fs.
Identifiers: ClinVar variation 5016087 (VCV005016087.1).